The following is an entry in ClinVar:

ClinVar aggregate classification (germline): Uncertain significance. Review status: criteria provided, single submitter (1 of 4 stars). 2 submissions from 2 submitters: Uncertain significance (1). 1 of the submissions does not count toward it. Last evaluated 2020-08-09.

Conditions:
Charcot-Marie-Tooth disease. Also called: Charcot-Marie-Tooth Hereditary Neuropathy; Charcot-Marie-Tooth Neuropathy. Identifiers: Orphanet 166, MedGen C0007959, MONDO:0015626.
Hereditary spastic paraplegia 31. Also called: SPASTIC PARAPLEGIA 31, AUTOSOMAL DOMINANT. Identifiers: Orphanet 101011, MedGen C1853247, MONDO:0012453, OMIM 610250.

Submissions (2):

Labcorp Genetics (formerly Invitae), Labcorp
Classification: Uncertain significance for Hereditary spastic paraplegia 31. Last evaluated: 2020-08-09. Review status: criteria provided, single submitter. Criteria: Invitae Variant Classification Sherloc (09022015). Collection method: clinical testing. Allele origin: germline.
Comment: This sequence change replaces tyrosine with asparagine at codon 35 of the REEP1 protein (p.Tyr35Asn). The tyrosine residue is highly conserved and there is a large physicochemical difference between tyrosine and asparagine. This variant is not present in population databases (ExAC no frequency). This variant has been observed in individual(s) with REEP1-related conditions (PMID: 24604904). ClinVar contains an entry for this variant (Variation ID: 637850). Algorithms developed to predict the effect of missense changes on protein structure and function are either unavailable or do not agree on the potential impact of this missense change (SIFT: "Tolerated"; PolyPhen-2: "Possibly Damaging"; Align-GVGD: "Class C0"). In summary, the available evidence is currently insufficient to determine the role of this variant in disease. Therefore, it has been classified as a Variant of Uncertain Significance.

Inherited Neuropathy Consortium
Classification: Uncertain significance for Charcot-Marie-Tooth disease. Review status: no assertion criteria provided. Collection method: literature only. Allele origin: germline. Affected: yes. Not counted in ClinVar's aggregate classification.

Literature cited by the submitters: PubMed 24604904 (cited by Labcorp Genetics (formerly Invitae), Labcorp and Inherited Neuropathy Consortium).

NM_001371279.1(REEP1):c.103T>A (p.Tyr35Asn)

Gene: REEP1 (receptor accessory protein 1; minus strand). Cytogenetic location: 2p11.2.
Variant type: single nucleotide variant.
Coding change: c.103T>A on transcript NM_001371279.1 (MANE Select); coding-DNA position 103, T replaced by A.
Protein change: p.Tyr35Asn; replaces tyrosine 35 with asparagine.
Molecular consequence: missense variant. On other transcripts: intron variant (1).
Genome position (GRCh38, 1-based): chr2:86,282,172, A>T on the plus strand (T>A on the coding strand, the complement: REEP1 is on the minus strand). VCF-style: chr2-86282172-A-T. GRCh37 (hg19) VCF-style: chr2-86509295-A-T.
Other names: c.124T>A, p.Tyr42Asn (NM_001164730.2); c.103T>A, p.Tyr35Asn (NM_001164732.2, NM_001371280.1, NM_022912.3); c.25-18131T>A (NM_001164731.2); short protein forms Y35N, Y42N.
Identifiers: ClinVar variation 637850 (VCV000637850.9), dbSNP rs1574077431, ClinGen allele CA347722437.